The following is an entry in ClinVar:

NM_014003.4(DHX38):c.1651G>A (p.Val551Met)

Gene: DHX38 (DEAH-box helicase 38; plus strand). Cytogenetic location: 16q22.2.
Variant type: single nucleotide variant.
Coding change: c.1651G>A on transcript NM_014003.4 (MANE Select); coding-DNA position 1651, G replaced by A.
Protein change: p.Val551Met; replaces valine 551 with methionine.
Molecular consequence: missense variant.
Genome position (GRCh38, 1-based): chr16:72,103,615, G>A. VCF-style: chr16-72103615-G-A. GRCh37 (hg19) VCF-style: chr16-72137514-G-A.
Other names: short protein forms V551M.
Identifiers: ClinVar variation 968983 (VCV000968983.7), dbSNP rs748565651, ClinGen allele CA8160375.

ClinVar aggregate classification (germline): Uncertain significance (1 of 4 stars; one submission).

Allele frequency attached by ClinVar (database versions not stated): gnomAD exomes below 0.00001 and 0.00001; ExAC 0.00001.
gnomAD v4.1: 6 of 1,608,976 alleles (0.00037%); highest among the groups gnomAD compares: Non-Finnish European, 0.00051%; no homozygotes.

Submission:

Labcorp Genetics (formerly Invitae), Labcorp
Classification: Uncertain significance. Last evaluated: 2022-06-04. Review status: criteria provided, single submitter. Criteria: Invitae Variant Classification Sherloc (09022015). Collection method: clinical testing. Allele origin: germline.
Comment: This sequence change replaces valine, which is neutral and non-polar, with methionine, which is neutral and non-polar, at codon 551 of the DHX38 protein (p.Val551Met). This variant is present in population databases (rs748565651, gnomAD 0.0009%). This variant has not been reported in the literature in individuals affected with DHX38-related conditions. ClinVar contains an entry for this variant (Variation ID: 968983). Algorithms developed to predict the effect of missense changes on protein structure and function are either unavailable or do not agree on the potential impact of this missense change (SIFT: "Deleterious"; PolyPhen-2: "Probably Damaging"; Align-GVGD: "Class C0"). In summary, the available evidence is currently insufficient to determine the role of this variant in disease. Therefore, it has been classified as a Variant of Uncertain Significance.